The following is an entry in ClinVar:

NM_057175.5(NAA15):c.592C>G (p.Gln198Glu)

Gene: NAA15 (N-alpha-acetyltransferase 15, NatA auxiliary subunit; plus strand). Cytogenetic location: 4q31.1.
Variant type: single nucleotide variant.
Coding change: c.592C>G on transcript NM_057175.5 (MANE Select); coding-DNA position 592, C replaced by G.
Protein change: p.Gln198Glu; replaces glutamine 198 with glutamic acid.
Molecular consequence: missense variant.
Genome position (GRCh38, 1-based): chr4:139,344,240, C>G. VCF-style: chr4-139344240-C-G. GRCh37 (hg19) VCF-style: chr4-140265394-C-G.
Other names: c.592C>G, p.Gln198Glu (NM_001410842.1, NM_025085.2); short protein forms Q198E.
Identifiers: ClinVar variation 2578968 (VCV002578968.25), dbSNP rs2530379012, ClinGen allele CA358260658.

ClinVar aggregate classification (germline): Uncertain significance (1 of 4 stars; one submission).

Allele frequency attached by ClinVar (database versions not stated): gnomAD exomes 0.00001.
gnomAD v4.1: 4 of 1,612,928 alleles (0.00025%); highest among the groups gnomAD compares: Non-Finnish European, 0.00034%; no homozygotes.

Submission:

CeGaT Center for Human Genetics Tuebingen
Classification: Uncertain significance. Last evaluated: 2023-08-01. Review status: criteria provided, single submitter. Criteria: CeGaT Center For Human Genetics Tuebingen Variant Classification Criteria Version 2. Collection method: clinical testing. Allele origin: germline. Affected: yes. Observed: 1 variant allele.
Comment: NAA15: PM2, PP2